The following is an entry in ClinVar:

ClinVar aggregate classification (germline): Pathogenic (1 of 4 stars; one submission).

Conditions:
Breast-ovarian cancer, familial, susceptibility to, 1 (BROVCA1). Also called: BRCA1 Hereditary Breast and Ovarian Cancer; OVARIAN CANCER, SUSCEPTIBILITY TO. Identifiers: Orphanet 145, MedGen C2676676, MONDO:0011450, OMIM 604370. Disease mechanism: loss of function.

Submission:

Myriad Genetics, Inc.
Classification: Pathogenic for Breast-ovarian cancer, familial, susceptibility to, 1. Last evaluated: 2024-04-02. Review status: criteria provided, single submitter. Criteria: Myriad Autosomal Dominant, Autosomal Recessive and X-Linked Classification Criteria (2023). Collection method: clinical testing. Allele origin: unknown.
Comment: This variant is considered pathogenic. This variant creates a frameshift predicted to result in premature protein truncation.

NM_007294.4(BRCA1):c.3702_3715delinsCTATGC (p.Asn1235fs)

Genes: BRCA1 (BRCA1 DNA repair associated; minus strand), LOC126862571 (BRD4-independent group 4 enhancer GRCh37_chr17:41243136-41244335; plus strand). Cytogenetic location: 17q21.31.
Variant type: Indel.
Coding change: c.3702_3715delinsCTATGC on transcript NM_007294.4 (MANE Select); coding-DNA positions 3702 to 3715, AAACAATATACCTT replaced by CTATGC.
Protein change: p.Asn1235fs; shifts the reading frame from asparagine 1235.
Molecular consequence: frameshift variant. On other transcripts: intron variant (135).
Genome position (GRCh38, 1-based): chr17:43,091,816-43,091,829, AAGGTATATTGTTT replaced by GCATAG on the plus strand (AAACAATATACCTT replaced by CTATGC on the coding strand, the reverse complement: BRCA1 is on the minus strand). VCF-style: chr17-43091816-AAGGTATATTGTTT-GCATAG. GRCh37 (hg19) VCF-style: chr17-41243833-AAGGTATATTGTTT-GCATAG.
Other names: c.407-797_407-784delinsCTATGC (NM_001408510.1); c.644-797_644-784delinsCTATGC (NM_001408470.1, NM_001408464.1, NM_001408468.1 and 3 more transcripts); c.647-797_647-784delinsCTATGC (NM_001408469.1, NM_001408453.1, NM_001408461.1 and 11 more transcripts); c.785-797_785-784delinsCTATGC (NM_001408397.1, NM_001408401.1, NM_001408396.1 and 13 more transcripts); c.665-797_665-784delinsCTATGC (NM_001408436.1, NM_001408444.1, NM_001408438.1 and 12 more transcripts); c.788-797_788-784delinsCTATGC (NM_001407980.1, NM_001407993.1, NM_001407976.1 and 17 more transcripts); c.653-797_653-784delinsCTATGC (NM_001408451.1); c.524-797_524-784delinsCTATGC (NM_001408498.1, NM_001408501.1, NM_001408500.1 and 3 more transcripts); and 41 more; short protein forms N1067fs, N1107fs, N1108fs, N1123fs, N1124fs, N1146fs, N1147fs, N1164fs.
Identifiers: ClinVar variation 3254361 (VCV003254361.1), dbSNP rs2552139489.